The following is an entry in ClinVar:

ClinVar aggregate classification (germline): Uncertain significance (1 of 4 stars; one submission).

Conditions:
Dilated cardiomyopathy 1J (CMD1J). Also called: CARDIOMYOPATHY, DILATED, WITH SENSORINEURAL HEARING LOSS, AUTOSOMAL DOMINANT. Identifiers: Orphanet 217622, MedGen C1854368, MONDO:0011541, OMIM 605362.

Allele frequency attached by ClinVar (database versions not stated): gnomAD exomes below 0.00001; ExAC 0.00001.
gnomAD v4.1: 4 of 1,613,862 alleles (0.00025%); highest among the groups gnomAD compares: South Asian, 0.0011%; no homozygotes.

Submission:

Labcorp Genetics (formerly Invitae), Labcorp
Classification: Uncertain significance for Dilated cardiomyopathy 1J. Last evaluated: 2025-09-02. Review status: criteria provided, single submitter. Criteria: Invitae Variant Classification Sherloc (09022015). Collection method: clinical testing. Allele origin: germline.
Comment: This sequence change replaces threonine, which is neutral and polar, with alanine, which is neutral and non-polar, at codon 192 of the EYA4 protein (p.Thr192Ala). This variant is present in population databases (rs764456726, gnomAD 0.0009%). This variant has not been reported in the literature in individuals affected with EYA4-related conditions. ClinVar contains an entry for this variant (Variation ID: 2722213). Invitae Evidence Modeling of protein sequence and biophysical properties (such as structural, functional, and spatial information, amino acid conservation, physicochemical variation, residue mobility, and thermodynamic stability) indicates that this missense variant is not expected to disrupt EYA4 protein function with a negative predictive value of 80%. In summary, the available evidence is currently insufficient to determine the role of this variant in disease. Therefore, it has been classified as a Variant of Uncertain Significance.

NM_004100.5(EYA4):c.574A>G (p.Thr192Ala)

Gene: EYA4 (EYA transcriptional coactivator and phosphatase 4; plus strand). Cytogenetic location: 6q23.2.
Variant type: single nucleotide variant.
Coding change: c.574A>G on transcript NM_004100.5 (MANE Select); coding-DNA position 574, A replaced by G.
Protein change: p.Thr192Ala; replaces threonine 192 with alanine.
Molecular consequence: missense variant.
Genome position (GRCh38, 1-based): chr6:133,462,471, A>G. VCF-style: chr6-133462471-A-G. GRCh37 (hg19) VCF-style: chr6-133783609-A-G.
Other names: c.412A>G, p.Thr138Ala (NM_001301012.2, NM_001370459.1); c.574A>G, p.Thr192Ala (NM_001301013.2, NM_172105.4); c.505A>G, p.Thr169Ala (NM_001370458.1, NM_172103.4); short protein forms T169A, T138A, T192A.
Identifiers: ClinVar variation 2722213 (VCV002722213.3), dbSNP rs764456726, ClinGen allele CA4008093.